The following is an entry in ClinVar:

NM_205834.4(LSR):c.348_349inv (p.Glu117Lys)

Gene: LSR (lipolysis stimulated lipoprotein receptor; plus strand). Cytogenetic location: 19q13.12.
Variant type: Inversion.
Coding change: c.348_349inv on transcript NM_205834.4 (MANE Select).
Protein change: p.Glu117Lys; replaces glutamic acid 117 with lysine.
Molecular consequence: missense variant.
Genome position: GRCh38 VCF-style: chr19-35250553-TG-CA. GRCh37 (hg19) VCF-style: chr19-35741456-TG-CA.
Other names: c.348_349inv, p.Glu117Lys (NM_001260489.2, NM_001260490.2, NM_001385215.1 and 2 more transcripts); short protein forms E117K.
Identifiers: ClinVar variation 4709489 (VCV004709489.1).

ClinVar aggregate classification (germline): Uncertain significance (1 of 4 stars; one submission).

Submission:

Labcorp Genetics (formerly Invitae), Labcorp
Classification: Uncertain significance. Last evaluated: 2025-08-12. Review status: criteria provided, single submitter. Criteria: Invitae Variant Classification Sherloc (09022015). Collection method: clinical testing. Allele origin: germline.
Comment: This sequence change replaces glutamic acid, which is acidic and polar, with lysine, which is basic and polar, at codon 165 of the LSR protein (p.Glu165Lys). Information on the frequency of this variant in the gnomAD database is not available, as this variant may be reported differently in the database. This variant has not been reported in the literature in individuals affected with LSR-related conditions. Experimental studies and prediction algorithms are not available or were not evaluated, and the functional significance of this variant is currently unknown. In summary, the available evidence is currently insufficient to determine the role of this variant in disease. Therefore, it has been classified as a Variant of Uncertain Significance.